The following is an entry in ClinVar:

ClinVar aggregate classification (germline): Uncertain significance (1 of 4 stars; one submission).

Conditions:
Familial cold autoinflammatory syndrome 3 (FCAS3). Also called: ANTIBODY DEFICIENCY AND IMMUNE DYSREGULATION, PLCG2-ASSOCIATED; FAMILIAL ATYPICAL COLD URTICARIA. Identifiers: Orphanet 300359, MedGen C3280914, MONDO:0013766, OMIM 614468.

gnomAD v4.1: 2 of 1,613,878 alleles (0.00012%); highest among the groups gnomAD compares: East Asian, 0.0022%; no homozygotes.

Submission:

Labcorp Genetics (formerly Invitae), Labcorp
Classification: Uncertain significance for Familial cold autoinflammatory syndrome 3. Last evaluated: 2024-02-16. Review status: criteria provided, single submitter. Criteria: Invitae Variant Classification Sherloc (09022015). Collection method: clinical testing. Allele origin: germline.
Comment: This sequence change replaces isoleucine, which is neutral and non-polar, with methionine, which is neutral and non-polar, at codon 61 of the PLCG2 protein (p.Ile61Met). This variant is present in population databases (no rsID available, gnomAD 0.003%). This variant has not been reported in the literature in individuals affected with PLCG2-related conditions. ClinVar contains an entry for this variant (Variation ID: 1396342). An algorithm developed to predict the effect of missense changes on protein structure and function (PolyPhen-2) suggests that this variant is likely to be disruptive. In summary, the available evidence is currently insufficient to determine the role of this variant in disease. Therefore, it has been classified as a Variant of Uncertain Significance.

NM_002661.5(PLCG2):c.183C>G (p.Ile61Met)

Gene: PLCG2 (phospholipase C gamma 2; plus strand). Cytogenetic location: 16q23.3.
Variant type: single nucleotide variant.
Coding change: c.183C>G on transcript NM_002661.5 (MANE Select); coding-DNA position 183, C replaced by G.
Protein change: p.Ile61Met; replaces isoleucine 61 with methionine.
Molecular consequence: missense variant.
Genome position (GRCh38, 1-based): chr16:81,786,172, C>G. VCF-style: chr16-81786172-C-G. GRCh37 (hg19) VCF-style: chr16-81819777-C-G.
Other names: short protein forms I61M.
Identifiers: ClinVar variation 1396342 (VCV001396342.8), dbSNP rs553657822, ClinGen allele CA396895641.